The following is an entry in ClinVar:

ClinVar aggregate classification (germline): Uncertain significance. Review status: criteria provided, multiple submitters, no conflicts (2 of 4 stars). 2 submissions from 2 submitters: Uncertain significance (2). Last evaluated 2025-05-01.

Conditions:
Developmental and epileptic encephalopathy, 34 (DEE34). Also called: SLC12A5-Related Epilepsy of Infancy with Migrating Focal Seizures; Early infantile epileptic encephalopathy 34. Identifiers: Orphanet 293181, MedGen C4225257, MONDO:0014718, OMIM 616645.

Allele frequency attached by ClinVar (database versions not stated): gnomAD exomes 0.00001; TOPMed 0.00001; ExAC 0.00002; gnomAD 0.00001.
gnomAD v4.1: 16 of 1,614,170 alleles (0.00099%); highest among the groups gnomAD compares: African/African-American, 0.0027%; no homozygotes.

Submissions (2):

Ambry Genetics
Classification: Uncertain significance. Last evaluated: 2025-05-01. Review status: criteria provided, single submitter. Criteria: Ambry Variant Classification Scheme 2023. Collection method: clinical testing. Allele origin: germline.

Labcorp Genetics (formerly Invitae), Labcorp
Classification: Uncertain significance for Developmental and epileptic encephalopathy, 34. Last evaluated: 2022-10-07. Review status: criteria provided, single submitter. Criteria: Invitae Variant Classification Sherloc (09022015). Collection method: clinical testing. Allele origin: germline.
Comment: This sequence change replaces valine, which is neutral and non-polar, with isoleucine, which is neutral and non-polar, at codon 955 of the SLC12A5 protein (p.Val955Ile). This variant is present in population databases (rs748274754, gnomAD 0.004%). This variant has not been reported in the literature in individuals affected with SLC12A5-related conditions. Advanced modeling of protein sequence and biophysical properties (such as structural, functional, and spatial information, amino acid conservation, physicochemical variation, residue mobility, and thermodynamic stability) performed at Invitae indicates that this missense variant is not expected to disrupt SLC12A5 protein function. In summary, the available evidence is currently insufficient to determine the role of this variant in disease. Therefore, it has been classified as a Variant of Uncertain Significance.

NM_020708.5(SLC12A5):c.2863G>A (p.Val955Ile)

Gene: SLC12A5 (solute carrier family 12 member 5; plus strand). Cytogenetic location: 20q13.12.
Variant type: single nucleotide variant.
Coding change: c.2863G>A on transcript NM_020708.5 (MANE Select); coding-DNA position 2863, G replaced by A.
Protein change: p.Val955Ile; replaces valine 955 with isoleucine.
Molecular consequence: missense variant.
Genome position (GRCh38, 1-based): chr20:46,056,225, G>A. VCF-style: chr20-46056225-G-A. GRCh37 (hg19) VCF-style: chr20-44684864-G-A.
Other names: c.2932G>A, p.Val978Ile (NM_001134771.2); c.2932G>A (NM_001134771.1); short protein forms V978I, V955I.
Identifiers: ClinVar variation 2043332 (VCV002043332.2), dbSNP rs748274754, ClinGen allele CA9887724.
Genomic context (GRCh38, chr20:46,056,225, plus strand): 5'-GATGAGTCACGAGGCTCAATCCGGAGAAAGAATCCAGCCAACACGCGGCTCCGCCTGAAC[G>A]TCCCAGAAGAGACGGCTGGTGACAGTGAAGAGAAGCCAGAGGAGGAGGTGTGCAGCTTGG-3'
Protein context (NP_065759.1, residues 945-965): NPANTRLRLN[Val955Ile]PEETAGDSEE